The following is an entry in ClinVar:

NM_001042492.3(NF1):c.579C>A (p.Leu193=)

Gene: NF1 (neurofibromin 1; plus strand). Cytogenetic location: 17q11.2.
Variant type: single nucleotide variant.
Coding change: c.579C>A on transcript NM_001042492.3 (MANE Select); coding-DNA position 579, C replaced by A.
Protein change: p.Leu193=; no amino-acid change (leucine 193 retained).
Molecular consequence: synonymous variant.
Genome position (GRCh38, 1-based): chr17:31,169,990, C>A. VCF-style: chr17-31169990-C-A. GRCh37 (hg19) VCF-style: chr17-29497008-C-A.
Other names: c.579C>A, p.Leu193= (NM_000267.4, NM_001128147.3).
Identifiers: ClinVar variation 2884068 (VCV002884068.5), dbSNP rs971186880, ClinGen allele CA289329282.

ClinVar aggregate classification (germline): Benign/Likely benign. Review status: criteria provided, multiple submitters, no conflicts (2 of 4 stars). 3 submissions from 3 submitters: Benign (1); Likely benign (2). Last evaluated 2026-05-14.

Conditions:
Neurofibromatosis, type 1 (NF1). Also called: VON RECKLINGHAUSEN DISEASE; NEUROFIBROMATOSIS, TYPE I, SOMATIC; Neurofibromatosis, type I; Peripheral type neurofibromatosis. Identifiers: Orphanet 636, MedGen C0027831, MONDO:0018975, OMIM 162200. Disease mechanism: loss of function.
Cardiovascular phenotype. Identifiers: MedGen CN230736.
Hereditary cancer-predisposing syndrome. Also called: Tumor predisposition; Neoplastic Syndromes, Hereditary; Hereditary neoplastic syndrome; Hereditary Cancer Syndrome. Identifiers: Orphanet 140162, MedGen C0027672, MeSH D009386, MONDO:0015356.

Allele frequency attached by ClinVar (database versions not stated): gnomAD exomes below 0.00001.
gnomAD v4.1: 1 of 1,598,730 alleles (0.000063%); highest among the groups gnomAD compares: South Asian, 0.0011%; no homozygotes.

Submissions (3):

Myriad Genetics, Inc.
Classification: Benign for Neurofibromatosis, type 1. Last evaluated: 2026-05-14. Review status: criteria provided, single submitter. Criteria: Myriad Autosomal Dominant, Autosomal Recessive and X-Linked Classification Criteria (2023). Collection method: clinical testing. Allele origin: unknown.
Comment: This variant is considered benign. This variant is a silent/synonymous amino acid change and it is not expected to impact splicing.

Ambry Genetics
Classification: Likely benign for Cardiovascular phenotype; Hereditary cancer-predisposing syndrome. Last evaluated: 2024-06-30. Review status: criteria provided, single submitter. Criteria: Ambry Variant Classification Scheme 2023. Collection method: clinical testing. Allele origin: germline.

Labcorp Genetics (formerly Invitae), Labcorp
Classification: Likely benign for Neurofibromatosis, type 1. Last evaluated: 2023-11-10. Review status: criteria provided, single submitter. Criteria: Invitae Variant Classification Sherloc (09022015). Collection method: clinical testing. Allele origin: germline.